The following is an entry in ClinVar:

ClinVar aggregate classification (germline): Uncertain significance (1 of 4 stars; one submission).

Conditions:
Developmental and epileptic encephalopathy, 12 (DEE12). Identifiers: MedGen C3150988, MONDO:0013389, OMIM 613722.

Allele frequency attached by ClinVar (database versions not stated): gnomAD 0.00001; TOPMed 0.00001.
gnomAD v4.1: 1 of 1,589,768 alleles (0.000063%); highest among the groups gnomAD compares: African/African-American, 0.0014%; no homozygotes.

Submission:

Labcorp Genetics (formerly Invitae), Labcorp
Classification: Uncertain significance for Developmental and epileptic encephalopathy, 12. Last evaluated: 2022-11-15. Review status: criteria provided, single submitter. Criteria: Invitae Variant Classification Sherloc (09022015). Collection method: clinical testing. Allele origin: germline.
Comment: This variant is present in population databases (no rsID available, gnomAD 0.01%). This sequence change falls in intron 8 of the PLCB1 gene. It does not directly change the encoded amino acid sequence of the PLCB1 protein. It affects a nucleotide within the consensus splice site. This variant has not been reported in the literature in individuals affected with PLCB1-related conditions. In summary, the available evidence is currently insufficient to determine the role of this variant in disease. Therefore, it has been classified as a Variant of Uncertain Significance. Variants that disrupt the consensus splice site are a relatively common cause of aberrant splicing (PMID: 17576681, 9536098). Algorithms developed to predict the effect of sequence changes on RNA splicing suggest that this variant is not likely to affect RNA splicing. ClinVar contains an entry for this variant (Variation ID: 1379242).

Literature cited by the submitters: PubMed 17576681; PubMed 9536098.

NM_015192.4(PLCB1):c.696-3T>C

Gene: PLCB1 (phospholipase C beta 1; plus strand). Cytogenetic location: 20p12.3.
Variant type: single nucleotide variant.
Coding change: c.696-3T>C on transcript NM_015192.4 (MANE Select); 3 bases into the intron before coding-DNA position 696, T replaced by C.
Molecular consequence: intron variant.
Genome position (GRCh38, 1-based): chr20:8,658,535, T>C. VCF-style: chr20-8658535-T-C. GRCh37 (hg19) VCF-style: chr20-8639182-T-C.
Other names: c.696-3T>C (NM_182734.3).
Identifiers: ClinVar variation 1379242 (VCV001379242.6), dbSNP rs1439321294, ClinGen allele CA634802533.